The following is an entry in ClinVar:

NM_001035.3(RYR2):c.1965G>A (p.Met655Ile)

Gene: RYR2 (ryanodine receptor 2; plus strand). Cytogenetic location: 1q43.
Variant type: single nucleotide variant.
Coding change: c.1965G>A on transcript NM_001035.3 (MANE Select); coding-DNA position 1965, G replaced by A.
Protein change: p.Met655Ile; replaces methionine 655 with isoleucine.
Molecular consequence: missense variant.
Genome position (GRCh38, 1-based): chr1:237,496,514, G>A. VCF-style: chr1-237496514-G-A. GRCh37 (hg19) VCF-style: chr1-237659814-G-A.
Other names: short protein forms M655I.
Identifiers: ClinVar variation 4758237 (VCV004758237.1).

ClinVar aggregate classification (germline): Uncertain significance (1 of 4 stars; one submission).

Conditions:
Cardiomyopathy (CMYO). Also called: Cardiomyopathies. Identifiers: Orphanet 167848, MedGen C0878544, MONDO:0004994, HP:0001638. Inheritance: Various modes of inheritance.

gnomAD v4.1: 1 of 1,613,666 alleles (0.000062%); highest among the groups gnomAD compares: Non-Finnish European, 0.000085%; no homozygotes.

Submission:

Color Diagnostics, LLC DBA Color Health
Classification: Uncertain significance for Cardiomyopathy. Last evaluated: 2025-11-03. Review status: criteria provided, single submitter. Criteria: ACMG Guidelines, 2015. Collection method: clinical testing. Allele origin: germline.
Comment: This missense variant replaces methionine with isoleucine at codon 655 of the RYR2 protein. Computational prediction suggests that this variant may not impact protein structure and function. To our knowledge, functional studies have not been reported for this variant. This variant has not been reported in individuals affected with RYR2-related disorders in the literature. This variant has been identified in 1/1461374 chromosomes in the general population by the Genome Aggregation Database (gnomAD). The available evidence is insufficient to determine the role of this variant in disease conclusively. Therefore, this variant is classified as a Variant of Uncertain Significance.